The following is an entry in ClinVar:

ClinVar aggregate classification (germline): Uncertain significance (0 of 4 stars; one submission).

Conditions:
PLXNA3-related disorder. Also called: PLXNA3-related condition.

Submission:

PreventionGenetics, part of Exact Sciences
Classification: Uncertain significance for PLXNA3-related condition. Last evaluated: 2024-09-10. Review status: no assertion criteria provided. Collection method: clinical testing. Allele origin: germline.
Comment: The PLXNA3 c.4618C>T variant is predicted to result in the amino acid substitution p.Arg1540Cys. To our knowledge, this variant has not been reported in the literature. This variant is reported in 0.022% of alleles in individuals of East Asian descent in gnomAD. At this time, the clinical significance of this variant is uncertain due to the absence of conclusive functional and genetic evidence.

NM_017514.5(PLXNA3):c.4618C>T (p.Arg1540Cys)

Gene: PLXNA3 (plexin A3; plus strand). Cytogenetic location: Xq28.
Variant type: single nucleotide variant.
Coding change: c.4618C>T on transcript NM_017514.5 (MANE Select); coding-DNA position 4618, C replaced by T.
Protein change: p.Arg1540Cys; replaces arginine 1540 with cysteine.
Molecular consequence: missense variant.
Genome position (GRCh38, 1-based): chrX:154,469,402, C>T. VCF-style: chrX-154469402-C-T. GRCh37 (hg19) VCF-style: chrX-153697745-C-T.
Other names: short protein forms R1540C.
Identifiers: ClinVar variation 3350279 (VCV003350279.1).